The following is an entry in ClinVar:

NM_004341.5(CAD):c.3214G>A (p.Glu1072Lys)

Gene: CAD (carbamoyl-phosphate synthetase 2, aspartate transcarbamylase, and dihydroorotase; plus strand). Cytogenetic location: 2p23.3.
Variant type: single nucleotide variant.
Coding change: c.3214G>A on transcript NM_004341.5 (MANE Select); coding-DNA position 3214, G replaced by A.
Protein change: p.Glu1072Lys; replaces glutamic acid 1072 with lysine.
Molecular consequence: missense variant.
Genome position (GRCh38, 1-based): chr2:27,233,534, G>A. VCF-style: chr2-27233534-G-A. GRCh37 (hg19) VCF-style: chr2-27456402-G-A.
Other names: c.3025G>A, p.Glu1009Lys (NM_001306079.2); short protein forms E1009K, E1072K.
Identifiers: ClinVar variation 1913493 (VCV001913493.2), dbSNP rs774509942, ClinGen allele CA1573217.
Genomic context (GRCh38, chr2:27,233,534, plus strand): 5'-TCCCGGCTCCTTGACACCATTGGTATCAGCCAGCCTCAGTGGAGGGAGCTCAGTGACCTC[G>A]AGGTGGGCTGGGACCTGGTGGGTTACCCGGAGGCTGGATGATGCTTGGGGGAAAGTGTGA-3'
Protein context (NP_004332.2, residues 1062-1082): QPQWRELSDL[Glu1072Lys]SARQFCQTVG

ClinVar aggregate classification (germline): Uncertain significance (1 of 4 stars; one submission).

Allele frequency attached by ClinVar (database versions not stated): ExAC 0.00001; gnomAD 0.00001; gnomAD exomes 0.00002; TOPMed 0.00002.
gnomAD v4.1: 31 of 1,614,006 alleles (0.0019%); highest among the groups gnomAD compares: Non-Finnish European, 0.0023%; no homozygotes.

Submission:

Labcorp Genetics (formerly Invitae), Labcorp
Classification: Uncertain significance. Last evaluated: 2022-07-30. Review status: criteria provided, single submitter. Criteria: Invitae Variant Classification Sherloc (09022015). Collection method: clinical testing. Allele origin: germline.
Comment: This sequence change replaces glutamic acid, which is acidic and polar, with lysine, which is basic and polar, at codon 1072 of the CAD protein (p.Glu1072Lys). This variant is present in population databases (rs774509942, gnomAD 0.003%). This variant has not been reported in the literature in individuals affected with CAD-related conditions. Algorithms developed to predict the effect of missense changes on protein structure and function are either unavailable or do not agree on the potential impact of this missense change (SIFT: "Deleterious"; PolyPhen-2: "Benign"; Align-GVGD: "Class C0"). Algorithms developed to predict the effect of sequence changes on RNA splicing suggest that this variant may disrupt the consensus splice site. In summary, the available evidence is currently insufficient to determine the role of this variant in disease. Therefore, it has been classified as a Variant of Uncertain Significance.